The following is an entry in ClinVar:

NM_001754.5(RUNX1):c.1262G>C (p.Gly421Ala)

Gene: RUNX1 (RUNX family transcription factor 1; minus strand). Cytogenetic location: 21q22.12.
Variant type: single nucleotide variant.
Coding change: c.1262G>C on transcript NM_001754.5 (MANE Select); coding-DNA position 1262, G replaced by C.
Protein change: p.Gly421Ala; replaces glycine 421 with alanine.
Molecular consequence: missense variant.
Genome position (GRCh38, 1-based): chr21:34,792,316, C>G on the plus strand (G>C on the coding strand, the complement: RUNX1 is on the minus strand). VCF-style: chr21-34792316-C-G. GRCh37 (hg19) VCF-style: chr21-36164613-C-G.
Other names: NM_001754.5(RUNX1):c.1262G>C; p.Gly421Ala; c.1181G>C, p.Gly394Ala (NM_001001890.3); short protein forms G421A, G394A.
Identifiers: ClinVar variation 2863363 (VCV002863363.4), dbSNP rs1052718609, ClinGen allele CA320251355.

ClinVar aggregate classification (germline): Uncertain significance. Review status: reviewed by expert panel (3 of 4 stars). 2 submissions from 2 submitters: Uncertain significance (1). 1 of the submissions does not count toward it. Last evaluated 2025-01-15.

Conditions:
Hereditary thrombocytopenia and hematological cancer predisposition syndrome associated with RUNX1. Also called: Familial Platelet Disorder with Propensity to Acute Myelogenous Leukemia; Familial thrombocytopenia with propensity to acute myelogenous leukemia; PLATELET DISORDER, ASPIRIN-LIKE; RUNX1 Familial Platelet Disorder with Associated Myeloid Malignancies. Identifiers: Orphanet 71290, MedGen C1832388, MeSH C563324, MONDO:0100083, OMIM 601399.
Hereditary thrombocytopenia and hematologic cancer predisposition syndrome. Identifiers: Orphanet 71290, MedGen CN281654, MONDO:0011071.

Submissions (2):

ClinGen Myeloid Malignancy Variant Curation Expert Panel
Classification: Uncertain significance for Hereditary thrombocytopenia and hematologic cancer predisposition syndrome. Last evaluated: 2025-01-15. Review status: reviewed by expert panel. Criteria: ClinGen MyeloMalig ACMG Specifications v2. Collection method: curation. Allele origin: germline. Inheritance: Autosomal dominant inheritance.
Comment: NM_001754.5(RUNX1):c.1262G>C (p.Gly421Ala) is a missense variant which has a REVEL score < 0.50 (0.347), and a SpliceAI score ≤ 0.20 (0.0) (BP4). This variant is completely absent from all population databases with at least 20x coverage for RUNX1 (PM2_supporting). In summary, the clinical significance of this variant is uncertain. ACMG/AMP criteria applied, as specified by the Myeloid Malignancy Variant Curation Expert Panel for RUNX1: BP4, PM2_supporting.

Labcorp Genetics (formerly Invitae), Labcorp
Classification: Uncertain significance for Hereditary thrombocytopenia and hematological cancer predisposition syndrome associated with RUNX1. Last evaluated: 2023-05-11. Review status: criteria provided, single submitter. Criteria: Invitae Variant Classification Sherloc (09022015). Collection method: clinical testing. Allele origin: germline. Not counted in ClinVar's aggregate classification.
Comment: This variant is not present in population databases (gnomAD no frequency). This sequence change replaces glycine, which is neutral and non-polar, with alanine, which is neutral and non-polar, at codon 421 of the RUNX1 protein (p.Gly421Ala). In summary, the available evidence is currently insufficient to determine the role of this variant in disease. Therefore, it has been classified as a Variant of Uncertain Significance. Advanced modeling of protein sequence and biophysical properties (such as structural, functional, and spatial information, amino acid conservation, physicochemical variation, residue mobility, and thermodynamic stability) performed at Invitae indicates that this missense variant is not expected to disrupt RUNX1 protein function. This variant has not been reported in the literature in individuals affected with RUNX1-related conditions.